The following is an entry in ClinVar:

ClinVar aggregate classification (germline): Uncertain significance (1 of 4 stars; one submission).

Conditions:
Combined immunodeficiency due to LRBA deficiency. Also called: Common variable immunodeficiency 8, with autoimmunity. Identifiers: Orphanet 445018, MedGen C3553512, MONDO:0013863, OMIM 614700.

Submission:

Labcorp Genetics (formerly Invitae), Labcorp
Classification: Uncertain significance for Combined immunodeficiency due to LRBA deficiency. Last evaluated: 2022-07-19. Review status: criteria provided, single submitter. Criteria: Invitae Variant Classification Sherloc (09022015). Collection method: clinical testing. Allele origin: germline.
Comment: In summary, the available evidence is currently insufficient to determine the role of this variant in disease. Therefore, it has been classified as a Variant of Uncertain Significance. Algorithms developed to predict the effect of missense changes on protein structure and function are either unavailable or do not agree on the potential impact of this missense change (SIFT: "Tolerated"; PolyPhen-2: "Probably Damaging"; Align-GVGD: "Class C0"). This variant has not been reported in the literature in individuals affected with LRBA-related conditions. This variant is not present in population databases (gnomAD no frequency). This sequence change replaces histidine, which is basic and polar, with tyrosine, which is neutral and polar, at codon 804 of the LRBA protein (p.His804Tyr).

NM_001364905.1(LRBA):c.2410C>T (p.His804Tyr)

Gene: LRBA (LPS responsive beige-like anchor protein; minus strand). Cytogenetic location: 4q31.3.
Variant type: single nucleotide variant.
Coding change: c.2410C>T on transcript NM_001364905.1 (MANE Select); coding-DNA position 2410, C replaced by T.
Protein change: p.His804Tyr; replaces histidine 804 with tyrosine.
Molecular consequence: missense variant.
Genome position (GRCh38, 1-based): chr4:150,870,564, G>A on the plus strand (C>T on the coding strand, the complement: LRBA is on the minus strand). VCF-style: chr4-150870564-G-A. GRCh37 (hg19) VCF-style: chr4-151791716-G-A.
Other names: c.2410C>T, p.His804Tyr (NM_001199282.3, NM_001367550.1, NM_006726.5); short protein forms H804Y.
Identifiers: ClinVar variation 1718500 (VCV001718500.5), dbSNP rs2546552728, ClinGen allele CA358466310.